The following is an entry in ClinVar:

NM_017617.5(NOTCH1):c.2365C>T (p.Gln789Ter)

Gene: NOTCH1 (notch receptor 1; minus strand). Cytogenetic location: 9q34.3.
Variant type: single nucleotide variant.
Coding change: c.2365C>T on transcript NM_017617.5 (MANE Select); coding-DNA position 2365, C replaced by T.
Protein change: p.Gln789Ter; replaces glutamine 789 with a stop codon.
Molecular consequence: nonsense.
Genome position (GRCh38, 1-based): chr9:136,513,123, G>A on the plus strand (C>T on the coding strand, the complement: NOTCH1 is on the minus strand). VCF-style: chr9-136513123-G-A. GRCh37 (hg19) VCF-style: chr9-139407575-G-A.
Other names: c.2365C>T, p.Gln789Ter (LRG_1122t1); short protein forms Q789*.
Identifiers: ClinVar variation 544178 (VCV000544178.7), dbSNP rs1554729118, ClinGen allele CA375556793.

ClinVar aggregate classification (germline): Pathogenic. Review status: criteria provided, multiple submitters, no conflicts (2 of 4 stars). 2 submissions from 2 submitters: Pathogenic (2). Last evaluated 2025-05-16.

Conditions:
Adams-Oliver syndrome 5 (AOS5). Identifiers: Orphanet 974, MedGen C4014970, MONDO:0014459, OMIM 616028.

Submissions (2):

GeneDx
Classification: Pathogenic. Last evaluated: 2025-05-16. Review status: criteria provided, single submitter. Criteria: GeneDx Variant Classification Process June 2021. Collection method: clinical testing. Allele origin: germline. Affected: yes.
Comment: Nonsense variant predicted to result in protein truncation or nonsense mediated decay in a gene for which loss of function is a known mechanism of disease; Reported in association with Adams Oliver syndrome and/or cardiac disease (PMID: 35947102); Not observed at significant frequency in large population cohorts (gnomAD); This variant is associated with the following publications: (PMID: 35947102)

Labcorp Genetics (formerly Invitae), Labcorp
Classification: Pathogenic for Adams-Oliver syndrome 5. Last evaluated: 2018-04-22. Review status: criteria provided, single submitter. Criteria: Invitae Variant Classification Sherloc (09022015). Collection method: clinical testing. Allele origin: germline.
Comment: For these reasons, this variant has been classified as Pathogenic. Loss-of-function variants in NOTCH1 are known to be pathogenic (PMID: 16025100, 21457232, 25132448, 25963545). This variant has not been reported in the literature in individuals with NOTCH1-related disease. This variant is not present in population databases (ExAC no frequency). This sequence change creates a premature translational stop signal (p.Gln789*) in the NOTCH1 gene. It is expected to result in an absent or disrupted protein product.

Literature cited by the submitters: PubMed 16025100 (cited by Labcorp Genetics (formerly Invitae), Labcorp); PubMed 21457232 (cited by Labcorp Genetics (formerly Invitae), Labcorp); PubMed 25132448 (cited by Labcorp Genetics (formerly Invitae), Labcorp); PubMed 25963545 (cited by Labcorp Genetics (formerly Invitae), Labcorp).